The following is an entry in ClinVar:

ClinVar aggregate classification (germline): Uncertain significance. Review status: criteria provided, multiple submitters, no conflicts (2 of 4 stars). 2 submissions from 2 submitters: Uncertain significance (2). Last evaluated 2025-12-31.

Submissions (2):

Labcorp Genetics (formerly Invitae), Labcorp
Classification: Uncertain significance. Last evaluated: 2025-12-31. Review status: criteria provided, single submitter. Criteria: Invitae Variant Classification Sherloc (09022015). Collection method: clinical testing. Allele origin: germline.
Comment: This sequence change is expected to alter the c-terminus of the RGR protein (p.Cys273Alafs*26). While this is not anticipated to result in nonsense mediated decay, it is expected to disrupt the last 19 amino acid(s) of the RGR protein and extend the protein by 6 additional amino acid residues. This variant is not present in population databases (gnomAD no frequency). This variant has not been reported in the literature in individuals affected with RGR-related conditions. ClinVar contains an entry for this variant (Variation ID: 2028561). Experimental studies and prediction algorithms are not available or were not evaluated, and the functional significance of this variant is currently unknown. In summary, the available evidence is currently insufficient to determine the role of this variant in disease. Therefore, it has been classified as a Variant of Uncertain Significance.

Blueprint Genetics
Classification: Uncertain significance. Last evaluated: 2021-10-06. Review status: criteria provided, single submitter. Criteria: ACMG Guidelines, 2015. Collection method: clinical testing. Allele origin: germline.

NM_001012720.2(RGR):c.816del (p.Cys273fs)

Gene: RGR (retinal G protein coupled receptor; plus strand). Cytogenetic location: 10q23.1.
Variant type: Deletion.
Coding change: c.816del on transcript NM_001012720.2 (MANE Select); coding-DNA position 816, one base deleted (C; older notation c.816delC).
Protein change: p.Cys273fs; shifts the reading frame from cysteine 273.
Molecular consequence: frameshift variant.
Genome position (GRCh38, 1-based): chr10:84,258,579, C deleted. VCF-style (leftmost placement, unchanged base first): chr10-84258578-TC-T. GRCh37 (hg19) VCF-style: chr10-86018334-TC-T.
Other names: c.702del, p.Cys235fs (NM_001012722.2); c.828del, p.Cys277fs (NM_002921.4); short protein forms C235fs, C277fs, C273fs.
Identifiers: ClinVar variation 2028561 (VCV002028561.5), dbSNP rs2492652819, ClinGen allele CA2580082206.